The following is an entry in ClinVar:

NM_017654.4(SAMD9):c.547C>G (p.Pro183Ala)

Gene: SAMD9 (sterile alpha motif domain containing 9; minus strand). Cytogenetic location: 7q21.2.
Variant type: single nucleotide variant.
Coding change: c.547C>G on transcript NM_017654.4 (MANE Select); coding-DNA position 547, C replaced by G.
Protein change: p.Pro183Ala; replaces proline 183 with alanine.
Molecular consequence: missense variant.
Genome position (GRCh38, 1-based): chr7:93,105,551, G>C on the plus strand (C>G on the coding strand, the complement: SAMD9 is on the minus strand). VCF-style: chr7-93105551-G-C. GRCh37 (hg19) VCF-style: chr7-92734864-G-C.
Other names: c.547C>G, p.Pro183Ala (NM_001193307.2); short protein forms P183A.
Identifiers: ClinVar variation 3792110 (VCV003792110.1).
Genomic context (GRCh38, chr7:93,105,551, plus strand): 5'-TATTTGTGAAGGCTTTGAATTCATGTATCGGATCAATGAGATTGCCTGGTCCTGTTTCAG[G>C]CTGTAGACTAAAATCCAACTTGTAACGATATGGATTACTGAATTCATCAAATGGATATGA-3'
Protein context (NP_060124.2, residues 173-193): YRYKLDFSLQ[Pro183Ala]ETGPGNLIDP

ClinVar aggregate classification (germline): Uncertain significance (1 of 4 stars; one submission).

Conditions:
Inborn genetic diseases. Identifiers: MedGen C0950123, MeSH D030342.

gnomAD v4.1: 9 of 1,613,952 alleles (0.00056%); highest among the groups gnomAD compares: Non-Finnish European, 0.00068%; no homozygotes.

Submission:

Ambry Genetics
Classification: Uncertain significance for Inborn genetic diseases. Last evaluated: 2025-02-19. Review status: criteria provided, single submitter. Criteria: Ambry Variant Classification Scheme 2023. Collection method: clinical testing. Allele origin: germline.
Comment: The p.P183A variant (also known as c.547C>G), located in coding exon 1 of the SAMD9 gene, results from a C to G substitution at nucleotide position 547. The proline at codon 183 is replaced by alanine, an amino acid with highly similar properties. This amino acid position is conserved. In addition, this alteration is predicted to be tolerated by in silico analysis. Based on the available evidence, the clinical significance of this variant remains unclear.